The following is an entry in ClinVar:

ClinVar aggregate classification (germline): Conflicting classifications of pathogenicity. Review status: criteria provided, conflicting classifications (1 of 4 stars). 4 submissions from 4 submitters: Uncertain significance (3); Likely benign (1). Last evaluated 2025-12-08.

Conditions:
Hereditary cancer-predisposing syndrome. Also called: Hereditary neoplastic syndrome; Hereditary Cancer Syndrome; Neoplastic Syndromes, Hereditary; Tumor predisposition. Identifiers: Orphanet 140162, MedGen C0027672, MeSH D009386, MONDO:0015356.
Chuvash polycythemia. Also called: POLYCYTHEMIA, VHL-DEPENDENT. Identifiers: Orphanet 238557, MedGen C1837915, MONDO:0009892, OMIM 263400.
Von Hippel-Lindau syndrome (VHLS). Also called: VHL syndrome; Von Hippel-Lindau; von Hippel–Lindau syndrome. Identifiers: Orphanet 892, MedGen C0019562, MONDO:0008667, OMIM 193300. Disease mechanism: loss of function.
Nonpapillary renal cell carcinoma. Identifiers: Orphanet 422526, MedGen CN074294, MONDO:0007763, OMIM 144700.
Pheochromocytoma. Also called: MAX-Related Hereditary Paraganglioma-Pheochromocytoma Syndrome. Identifiers: Orphanet 29072, MedGen C0031511, MONDO:0008233, OMIM 171300, HP:0002666.

Submissions (4):

Labcorp Genetics (formerly Invitae), Labcorp
Classification: Uncertain significance for Von Hippel-Lindau syndrome; Chuvash polycythemia. Last evaluated: 2025-12-08. Review status: criteria provided, single submitter. Criteria: Invitae Variant Classification Sherloc (09022015). Collection method: clinical testing. Allele origin: germline.
Comment: This sequence change replaces valine, which is neutral and non-polar, with alanine, which is neutral and non-polar, at codon 74 of the VHL protein (p.Val74Ala). This variant is not present in population databases (gnomAD no frequency). This variant has not been reported in the literature in individuals affected with VHL-related conditions. ClinVar contains an entry for this variant (Variation ID: 422125). Invitae Evidence Modeling of protein sequence and biophysical properties (such as structural, functional, and spatial information, amino acid conservation, physicochemical variation, residue mobility, and thermodynamic stability) indicates that this missense variant is expected to disrupt VHL protein function with a positive predictive value of 95%. In summary, the available evidence is currently insufficient to determine the role of this variant in disease. Therefore, it has been classified as a Variant of Uncertain Significance.

Ambry Genetics
Classification: Likely benign for Hereditary cancer-predisposing syndrome. Last evaluated: 2025-02-07. Review status: criteria provided, single submitter. Criteria: Ambry Variant Classification Scheme 2023. Collection method: clinical testing. Allele origin: germline.

Fulgent Genetics
Classification: Uncertain significance for Nonpapillary renal cell carcinoma; Pheochromocytoma; Von Hippel-Lindau syndrome; Chuvash polycythemia. Last evaluated: 2021-09-13. Review status: criteria provided, single submitter. Criteria: ACMG Guidelines, 2015. Collection method: clinical testing. Allele origin: unknown.

GeneDx
Classification: Uncertain significance. Last evaluated: 2016-08-29. Review status: criteria provided, single submitter. Criteria: GeneDx Variant Classification (06012015). Collection method: clinical testing. Allele origin: germline. Affected: yes.
Comment: This variant is denoted VHL c.221T>C at the cDNA level, p.Val74Ala (V74A) at the protein level, and results in the change of a Valine to an Alanine (GTC>GCC). This variant has been observed in at least one individual with clear-cell renal cell carcinoma (van Houwelingen 2005, Nordstrom-O'Brien 2010). VHL Val74Ala was not observed in approximately 6,400 individuals of European and African American ancestry in the NHLBI Exome Sequencing Project, suggesting it is not a common benign variant in these populations. Since Valine and Alanine share similar properties, this is considered a conservative amino acid substitution. VHL Val74Ala occurs at a position that is conserved across species and is located within the beta domain (Yuen 2009). In silico analyses predict that this variant is probably damaging to protein structure and function. Based on currently available evidence, it is unclear whether VHL Val74Ala is a pathogenic or benign variant. We consider it to be a variant of uncertain significance.

Literature cited by the submitters: PubMed 15932632 (cited by Ambry Genetics); PubMed 38969834 (cited by Ambry Genetics).

NM_000551.4(VHL):c.221T>C (p.Val74Ala)

Gene: VHL (von Hippel-Lindau tumor suppressor; plus strand). Cytogenetic location: 3p25.3.
Variant type: single nucleotide variant.
Coding change: c.221T>C on transcript NM_000551.4 (MANE Select); coding-DNA position 221, T replaced by C.
Protein change: p.Val74Ala; replaces valine 74 with alanine.
Molecular consequence: missense variant.
Genome position (GRCh38, 1-based): chr3:10,142,068, T>C. VCF-style: chr3-10142068-T-C. GRCh37 (hg19) VCF-style: chr3-10183752-T-C.
Other names: c.221T>C, p.Val74Ala (NM_001354723.2, NM_198156.3); short protein forms V74A.
Identifiers: ClinVar variation 422125 (VCV000422125.12), dbSNP rs5030803, ClinGen allele CA16617786.